The following is an entry in ClinVar:

NM_144573.4(NEXN):c.1223T>G (p.Phe408Cys)

Gene: NEXN (nexilin F-actin binding protein; plus strand). Cytogenetic location: 1p31.1.
Variant type: single nucleotide variant.
Coding change: c.1223T>G on transcript NM_144573.4 (MANE Select); coding-DNA position 1223, T replaced by G.
Protein change: p.Phe408Cys; replaces phenylalanine 408 with cysteine.
Molecular consequence: missense variant.
Genome position (GRCh38, 1-based): chr1:77,933,451, T>G. VCF-style: chr1-77933451-T-G. GRCh37 (hg19) VCF-style: chr1-78399136-T-G.
Other names: c.1031T>G, p.Phe344Cys (NM_001172309.2); short protein forms F408C, F344C.
Identifiers: ClinVar variation 4985486 (VCV004985486.1).
Genomic context (GRCh38, chr1:77,933,451, plus strand): 5'-AAGAAAAACGACGAACAGAGGAGGAACGGAAGCATAAGCTAGAAATGGAGAAACAAGAAT[T>G]TGAACAACTGAGACAGGAAATGGGAGAGGTAAGATTTTAAGAAATATCTATATTCCCCAT-3'
Protein context (NP_653174.3, residues 398-418): KHKLEMEKQE[Phe408Cys]EQLRQEMGEE

ClinVar aggregate classification (germline): Uncertain significance (1 of 4 stars; one submission).

Conditions:
NEXN-related disorder. Also called: NEXN-related condition; NEXN-related disorders.

gnomAD v4.1: 3 of 1,612,590 alleles (0.00019%); highest among the groups gnomAD compares: Non-Finnish European, 0.00025%; no homozygotes.

Submission:

PreventionGenetics, part of Exact Sciences
Classification: Uncertain significance for NEXN-related condition. Last evaluated: 2026-09-11. Review status: criteria provided, single submitter. Criteria: ACMG Guidelines, 2015. Collection method: clinical testing. Allele origin: germline.
Comment: The NEXN c.1223T>G variant is predicted to result in the amino acid substitution p.Phe408Cys. To our knowledge, this variant has not been reported in the literature. This variant is reported in 0.0018% of alleles in individuals of European (Non-Finnish) descent in gnomAD. At this time, the clinical significance of this variant is uncertain due to the absence of conclusive functional and genetic evidence.